The following is an entry in ClinVar:

ClinVar aggregate classification (germline): Uncertain significance (1 of 4 stars; one submission).

Submission:

Labcorp Genetics (formerly Invitae), Labcorp
Classification: Uncertain significance. Last evaluated: 2022-04-08. Review status: criteria provided, single submitter. Criteria: Invitae Variant Classification Sherloc (09022015). Collection method: clinical testing. Allele origin: germline.
Comment: In summary, the available evidence is currently insufficient to determine the role of this variant in disease. Therefore, it has been classified as a Variant of Uncertain Significance. Experimental studies and prediction algorithms are not available or were not evaluated, and the functional significance of this variant is currently unknown. This variant has not been reported in the literature in individuals affected with CIB1-related conditions. Information on the frequency of this variant in the gnomAD database is not available, as this variant may be reported differently in the database. This sequence change affects the initiator methionine of the CIB1 mRNA. The next in-frame methionine is located at codon 189.

NM_006384.4(CIB1):c.-1_1delinsTT (p.Met1Leu)

Gene: CIB1 (calcium and integrin binding 1; minus strand). Cytogenetic location: 15q26.1.
Variant type: Indel.
Coding change: c.-1_1delinsTT on transcript NM_006384.4 (MANE Select); 1 bases upstream of the start codon through coding-DNA position 1, GA replaced by TT.
Protein change: p.Met1Leu; changes the start codon (methionine 1).
Molecular consequence: missense variant, initiator codon variant.
Genome position (GRCh38, 1-based): chr15:90,233,885-90,233,886, TC replaced by AA on the plus strand (GA replaced by TT on the coding strand, the reverse complement: CIB1 is on the minus strand). VCF-style: chr15-90233885-TC-AA. GRCh37 (hg19) VCF-style: chr15-90777117-TC-AA.
Other names: c.-1_1delinsTT, p.Met1Leu (NM_001277764.2); short protein forms M1L.
Identifiers: ClinVar variation 1948973 (VCV001948973.6), dbSNP rs2505973794, ClinGen allele CA2580090229.